The following is an entry in ClinVar:

NM_001382391.1(CSPP1):c.3142C>T (p.Arg1048Ter)

Genes: ARFGEF1 (ARF guanine nucleotide exchange factor 1; minus strand), CSPP1 (centrosome and spindle pole associated protein 1; plus strand). Cytogenetic location: 8q13.2.
Variant type: single nucleotide variant.
Coding change: c.3142C>T on transcript NM_001382391.1 (MANE Select); coding-DNA position 3142, C replaced by T.
Protein change: p.Arg1048Ter; replaces arginine 1048 with a stop codon.
Molecular consequence: nonsense. On other transcripts: intron variant (2).
Genome position (GRCh38, 1-based): chr8:67,177,712, C>T. VCF-style: chr8-67177712-C-T. GRCh37 (hg19) VCF-style: chr8-68089947-C-T.
Other names: c.2092C>T, p.Arg698Ter (NM_001291339.2); c.3061C>T, p.Arg1021Ter (NM_001363131.2); c.2947C>T, p.Arg983Ter (NM_001363132.2); c.2866C>T, p.Arg956Ter (NM_001363133.2); c.3208C>T, p.Arg1070Ter (NM_001364869.1); c.3028C>T, p.Arg1010Ter (NM_001364870.1); c.2974C>T, p.Arg992Ter (NM_001438330.1); c.3127C>T, p.Arg1043Ter (NM_001438331.1, NM_024790.7); and 3 more; short protein forms R1010*, R1021*, R1043*, R1048*, R1070*, R698*, R956*, R983*.
Identifiers: ClinVar variation 1322167 (VCV001322167.6), dbSNP rs200881715, ClinGen allele CA178202659.
Genomic context (GRCh38, chr8:67,177,712, plus strand): 5'-ATTTGCTTTTGTTCTCCATTGACTACAGTTGACTTAGATGCCATCCCAAGTGCTAAAGTA[C>T]GAGAGCAAAGAATGGTAAGCAACCAGTTACAATTTTTCAAGTTAGTTTTTGGGGGATTAA-3'

ClinVar aggregate classification (germline): Pathogenic (1 of 4 stars; one submission).

Conditions:
Joubert syndrome 21 (JBTS21). Identifiers: MedGen C3810212, MONDO:0014288, OMIM 615636.

Allele frequency attached by ClinVar (database versions not stated): gnomAD 0.00001; gnomAD exomes below 0.00001 and 0.00001.
gnomAD v4.1: 22 of 1,611,142 alleles (0.0014%); highest among the groups gnomAD compares: East Asian, 0.0089%; no homozygotes.

Submission:

Labcorp Genetics (formerly Invitae), Labcorp
Classification: Pathogenic for Joubert syndrome 21. Last evaluated: 2024-04-09. Review status: criteria provided, single submitter. Criteria: Invitae Variant Classification Sherloc (09022015). Collection method: clinical testing. Allele origin: germline.
Comment: This sequence change creates a premature translational stop signal (p.Arg1043*) in the CSPP1 gene. It is expected to result in an absent or disrupted protein product. Loss-of-function variants in CSPP1 are known to be pathogenic (PMID: 24360807, 24360808). This variant is present in population databases (rs200881715, gnomAD 0.0009%). This premature translational stop signal has been observed in individual(s) with Joubert syndrome (PMID: 32386258). ClinVar contains an entry for this variant (Variation ID: 1322167). Algorithms developed to predict the effect of sequence changes on RNA splicing suggest that this variant may disrupt the consensus splice site. For these reasons, this variant has been classified as Pathogenic.

Literature cited by the submitters: PubMed 24360807; PubMed 24360808; PubMed 32386258.